The following is an entry in ClinVar:

NC_000016.9:g.(?_89818536)_(89818822_?)del

Gene: FANCA (FA complementation group A; minus strand). Cytogenetic location: 16q24.3.
Variant type: Deletion.
Identifiers: ClinVar variation 1451976 (VCV001451976.7).

ClinVar aggregate classification (germline): Pathogenic (1 of 4 stars; one submission).

Conditions:
Fanconi anemia (FA). Also called: Fanconi's anemia. Identifiers: Orphanet 84, MedGen C0015625, MeSH D005199, MONDO:0019391.

Submission:

Labcorp Genetics (formerly Invitae), Labcorp
Classification: Pathogenic for Fanconi anemia. Last evaluated: 2022-06-28. Review status: criteria provided, single submitter. Criteria: Invitae Variant Classification Sherloc (09022015). Collection method: clinical testing. Allele origin: germline.
Comment: For these reasons, this variant has been classified as Pathogenic. A similar copy number variant has been observed in individual(s) with clinical features of Fanconi anemia (PMID: 10094191, 22778927). This variant is a gross deletion of the genomic region encompassing exon(s) 31 of the FANCA gene. This deletion is out-of-frame, and is expected to create a premature termination codon and result in an absent or disrupted protein product. Loss-of-function variants in FANCA are known to be pathogenic (PMID: 19367192).

Literature cited by the submitters: PubMed 10094191; PubMed 22778927; PubMed 19367192.